The following is an entry in ClinVar:

NM_024721.5(ZFHX4):c.10461T>C (p.Val3487=)

Gene: ZFHX4 (zinc finger homeobox 4; plus strand). Cytogenetic location: 8q21.13.
Variant type: single nucleotide variant.
Coding change: c.10461T>C on transcript NM_024721.5 (MANE Select); coding-DNA position 10461, T replaced by C.
Protein change: p.Val3487=; no amino-acid change (valine 3487 retained).
Molecular consequence: synonymous variant.
Genome position (GRCh38, 1-based): chr8:76,864,175, T>C. VCF-style: chr8-76864175-T-C. GRCh37 (hg19) VCF-style: chr8-77776411-T-C.
Other names: c.10383T>C, p.Val3461= (NM_001410934.1).
Identifiers: ClinVar variation 3042101 (VCV003042101.2), dbSNP rs371578848, ClinGen allele CA4788548.

ClinVar aggregate classification (germline): Likely benign (0 of 4 stars; one submission).

Conditions:
ZFHX4-related disorder. Also called: ZFHX4-related condition.

Allele frequency attached by ClinVar (database versions not stated): gnomAD 0.00001; ExAC 0.00002; TOPMed 0.00002; gnomAD exomes 0.00004; ESP Exome Variant Server 0.00008.
gnomAD v4.1: 60 of 1,613,836 alleles (0.0037%); highest among the groups gnomAD compares: Non-Finnish European, 0.0046%; no homozygotes.

Submission:

PreventionGenetics, part of Exact Sciences
Classification: Likely benign for ZFHX4-related condition. Last evaluated: 2019-05-08. Review status: no assertion criteria provided. Collection method: clinical testing. Allele origin: germline.
Comment: This variant is classified as likely benign based on ACMG/AMP sequence variant interpretation guidelines (Richards et al. 2015 PMID: 25741868, with internal and published modifications).